The following is an entry in ClinVar:

ClinVar aggregate classification (germline): Uncertain significance (1 of 4 stars; one submission).

Conditions:
Familial Mediterranean fever (FMF). Also called: Periodic peritonitis; POLYSEROSITIS, FAMILIAL PAROXYSMAL; POLYSEROSITIS, RECURRENT; Benign paroxysmal peritonitis. Identifiers: Orphanet 342, MedGen C0031069, MONDO:0018088, OMIM 249100. Disease mechanism: gain of function.

Submission:

Neuberg Centre For Genomic Medicine, NCGM
Classification: Uncertain significance for Familial Mediterranean fever. Last evaluated: 2023-03-01. Review status: criteria provided, single submitter. Criteria: ACMG Guidelines, 2015. Collection method: clinical testing. Allele origin: germline. Inheritance: Autosomal recessive inheritance. Affected: yes.
Comment: The missense c.638T>C (p.Leu213Pro) variant in MEFV gene has not been reported previously as a pathogenic variant nor as a benign variant, to our knowledge. The p.Leu213Pro variant is novel (not in any individuals) in gnomAD Exomes and 1000 Genomes. This variant has not been reported to the ClinVar database. The amino acid change p.Leu213Pro in MEFV is predicted as conserved by GERP++ and PhyloP across 100 vertebrates. The amino acid Leu at position 213 is changed to a Pro changing protein sequence and it might alter its composition and physico-chemical properties. For these reasons, this variant has been classified as Variant of Uncertain Significance (VUS).

NM_000243.3(MEFV):c.638T>C (p.Leu213Pro)

Gene: MEFV (MEFV innate immunity regulator, pyrin; minus strand). Cytogenetic location: 16p13.3.
Variant type: single nucleotide variant.
Coding change: c.638T>C on transcript NM_000243.3 (MANE Select); coding-DNA position 638, T replaced by C.
Protein change: p.Leu213Pro; replaces leucine 213 with proline.
Molecular consequence: missense variant. On other transcripts: intron variant (1).
Genome position (GRCh38, 1-based): chr16:3,254,430, A>G on the plus strand (T>C on the coding strand, the complement: MEFV is on the minus strand). VCF-style: chr16-3254430-A-G. GRCh37 (hg19) VCF-style: chr16-3304430-A-G.
Other names: c.277+1881T>C (NM_001198536.2); short protein forms L213P.
Identifiers: ClinVar variation 2671752 (VCV002671752.1), dbSNP rs2543156223, ClinGen allele CA394478847.